The following is an entry in ClinVar:

NM_001014987.2(LAT):c.208T>C (p.Tyr70His)

Gene: LAT (linker for activation of T cells; plus strand). Cytogenetic location: 16p11.2.
Variant type: single nucleotide variant.
Coding change: c.208T>C on transcript NM_001014987.2 (MANE Select); coding-DNA position 208, T replaced by C.
Protein change: p.Tyr70His; replaces tyrosine 70 with histidine.
Molecular consequence: missense variant.
Genome position (GRCh38, 1-based): chr16:28,986,179, T>C. VCF-style: chr16-28986179-T-C. GRCh37 (hg19) VCF-style: chr16-28997500-T-C.
Other names: c.208T>C, p.Tyr70His (NM_001014988.2, NM_014387.4); c.316T>C, p.Tyr106His (NM_001014989.2); short protein forms Y70H, Y106H.
Identifiers: ClinVar variation 2863308 (VCV002863308.3), dbSNP rs2506679916, ClinGen allele CA395440105.

ClinVar aggregate classification (germline): Uncertain significance (1 of 4 stars; one submission).

Allele frequency attached by ClinVar (database versions not stated): gnomAD exomes below 0.00001.

Submission:

Labcorp Genetics (formerly Invitae), Labcorp
Classification: Uncertain significance. Last evaluated: 2023-05-11. Review status: criteria provided, single submitter. Criteria: Invitae Variant Classification Sherloc (09022015). Collection method: clinical testing. Allele origin: germline.
Comment: An algorithm developed to predict the effect of missense changes on protein structure and function (PolyPhen-2) suggests that this variant is likely to be disruptive. This variant has not been reported in the literature in individuals affected with LAT-related conditions. This variant is not present in population databases (gnomAD no frequency). This sequence change replaces tyrosine, which is neutral and polar, with histidine, which is basic and polar, at codon 70 of the LAT protein (p.Tyr70His). In summary, the available evidence is currently insufficient to determine the role of this variant in disease. Therefore, it has been classified as a Variant of Uncertain Significance.